The following is an entry in ClinVar:

ClinVar aggregate classification (germline): Uncertain significance (1 of 4 stars; one submission).

Submission:

Labcorp Genetics (formerly Invitae), Labcorp
Classification: Uncertain significance. Last evaluated: 2025-02-15. Review status: criteria provided, single submitter. Criteria: Invitae Variant Classification Sherloc (09022015). Collection method: clinical testing. Allele origin: germline.
Comment: This sequence change replaces aspartic acid, which is acidic and polar, with glutamic acid, which is acidic and polar, at codon 366 of the GPR101 protein (p.Asp366Glu). This variant is not present in population databases (gnomAD no frequency). This missense change has been observed in individual(s) with acromegaly and/or pituitary adenoma (PMID: 25806920). An algorithm developed to predict the effect of missense changes on protein structure and function (PolyPhen-2) suggests that this variant is likely to be disruptive. In summary, the available evidence is currently insufficient to determine the role of this variant in disease. Therefore, it has been classified as a Variant of Uncertain Significance.

Literature cited by the submitters: PubMed 25806920.

NM_054021.2(GPR101):c.1098C>G (p.Asp366Glu)

Gene: GPR101 (G protein-coupled receptor 101; minus strand). Cytogenetic location: Xq26.3.
Variant type: single nucleotide variant.
Coding change: c.1098C>G on transcript NM_054021.2 (MANE Select); coding-DNA position 1098, C replaced by G.
Protein change: p.Asp366Glu; replaces aspartic acid 366 with glutamic acid.
Molecular consequence: missense variant.
Genome position (GRCh38, 1-based): chrX:137,030,577, G>C on the plus strand (C>G on the coding strand, the complement: GPR101 is on the minus strand). VCF-style: chrX-137030577-G-C. GRCh37 (hg19) VCF-style: chrX-136112736-G-C.
Other names: short protein forms D366E.
Identifiers: ClinVar variation 4807400 (VCV004807400.1).